The following is an entry in ClinVar:

NM_003285.3(TNR):c.2277T>A (p.Gly759=)

Gene: TNR (tenascin R; minus strand). Cytogenetic location: 1q25.1.
Variant type: single nucleotide variant.
Coding change: c.2277T>A on transcript NM_003285.3 (MANE Select); coding-DNA position 2277, T replaced by A.
Protein change: p.Gly759=; no amino-acid change (glycine 759 retained).
Molecular consequence: synonymous variant.
Genome position (GRCh38, 1-based): chr1:175,365,915, A>T on the plus strand (T>A on the coding strand, the complement: TNR is on the minus strand). VCF-style: chr1-175365915-A-T. GRCh37 (hg19) VCF-style: chr1-175335051-A-T.
Other names: c.1278T>A, p.Gly426= (NM_001328635.2).
Identifiers: ClinVar variation 4874833 (VCV004874833.2).

ClinVar aggregate classification (germline): Likely benign (1 of 4 stars; one submission).

gnomAD v4.1: 3 of 1,613,692 alleles (0.00019%); highest among the groups gnomAD compares: Admixed American, 0.0033%; no homozygotes.

Submission:

CeGaT Center for Human Genetics Tuebingen
Classification: Likely benign. Last evaluated: 2026-05-01. Review status: criteria provided, single submitter. Criteria: CeGaT Center For Human Genetics Tuebingen Variant Classification Criteria Version 2. Collection method: clinical testing. Allele origin: germline. Affected: yes. Observed: 1 variant allele.
Comment: TNR: BP4, BP7